The following is an entry in ClinVar:

ClinVar aggregate classification (germline): Uncertain significance (1 of 4 stars; one submission).

Conditions:
Cardiovascular phenotype. Identifiers: MedGen CN230736.

Allele frequency attached by ClinVar (database versions not stated): gnomAD exomes 0.00001.
gnomAD v4.1: 12 of 1,549,582 alleles (0.00077%); highest among the groups gnomAD compares: Non-Finnish European, 0.001%; no homozygotes.

Submission:

Ambry Genetics
Classification: Uncertain significance for Cardiovascular phenotype. Last evaluated: 2021-11-04. Review status: criteria provided, single submitter. Criteria: Ambry Variant Classification Scheme 2023. Collection method: clinical testing. Allele origin: germline.
Comment: The p.N1258D variant (also known as c.3772A>G), located in coding exon 2 of the ZNF469 gene, results from an A to G substitution at nucleotide position 3772. The asparagine at codon 1258 is replaced by aspartic acid, an amino acid with highly similar properties. This amino acid position is conserved. In addition, this alteration is predicted to be tolerated by in silico analysis. Since supporting evidence is limited at this time, the clinical significance of this alteration remains unclear.

NM_001367624.2(ZNF469):c.3856A>G (p.Asn1286Asp)

Gene: ZNF469 (zinc finger protein 469; plus strand). Cytogenetic location: 16q24.2.
Variant type: single nucleotide variant.
Coding change: c.3856A>G on transcript NM_001367624.2 (MANE Select); coding-DNA position 3856, A replaced by G.
Protein change: p.Asn1286Asp; replaces asparagine 1286 with aspartic acid.
Molecular consequence: missense variant.
Genome position (GRCh38, 1-based): chr16:88,431,326, A>G. VCF-style: chr16-88431326-A-G. GRCh37 (hg19) VCF-style: chr16-88497734-A-G.
Other names: NM_001127464.1:c.3772A>G; short protein forms N1286D.
Identifiers: ClinVar variation 1734772 (VCV001734772.2), dbSNP rs2507585177, ClinGen allele CA397087463.